The following is an entry in ClinVar:

ClinVar aggregate classification (germline): Uncertain significance. Review status: criteria provided, multiple submitters, no conflicts (2 of 4 stars). 3 submissions from 3 submitters: Uncertain significance (3). Last evaluated 2025-07-01.

Conditions:
Cardiovascular phenotype. Identifiers: MedGen CN230736.
Familial hypercholesterolemia. Also called: Familial hypercholesterolemias; Familial hypercholesterolaemia. Identifiers: MedGen C0020445, MONDO:0005439.
Hypercholesterolemia, autosomal dominant, 3 (FHCL3). Also called: Familial hypercholesterolemia 3; Familial Hypercholesterolemia, Autosomal Dominant, 3; PCSK9-Related Familial Hypercholesterolemia, Autosomal Dominant. Identifiers: MedGen C1863551, MONDO:0011369, OMIM 603776.

Allele frequency attached by ClinVar (database versions not stated): TOPMed 0.00003.

Submissions (3):

Color Diagnostics, LLC DBA Color Health
Classification: Uncertain significance for Familial hypercholesterolemia. Last evaluated: 2025-07-01. Review status: criteria provided, single submitter. Criteria: ACMG Guidelines, 2015. Collection method: clinical testing. Allele origin: germline.
Comment: This missense variant replaces arginine with proline at codon 499 of the PCSK9 protein. Computational prediction suggests that this variant may not impact protein structure and function. To our knowledge, functional studies have not been reported for this variant. This variant has not been reported in individuals affected with PCSK9-related disorders in the literature. This variant has been identified in 12/243578 chromosomes in the general population by the Genome Aggregation Database (gnomAD). The available evidence is insufficient to determine the role of this variant in disease conclusively. Therefore, this variant is classified as a Variant of Uncertain Significance.

All of Us Research Program, National Institutes of Health
Classification: Uncertain significance for Hypercholesterolemia, autosomal dominant, 3. Last evaluated: 2024-01-11. Review status: criteria provided, single submitter. Criteria: ACMG Guidelines, 2015. Collection method: clinical testing. Allele origin: germline. Inheritance: Autosomal dominant inheritance. Observed: 13 variant alleles, 13 heterozygotes.
Comment: This missense variant replaces arginine with proline at codon 499 of the PCSK9 protein. Computational prediction suggests that this variant may not impact protein structure and function (internally defined REVEL score threshold <= 0.5, PMID: 27666373). To our knowledge, functional studies have not been reported for this variant. This variant has not been reported in individuals affected with familial hypercholesterolemia in the literature. This variant has been identified in 12/243578 chromosomes in the general population by the Genome Aggregation Database (gnomAD). The available evidence is insufficient to determine the role of this variant in disease conclusively. Therefore, this variant is classified as a Variant of Uncertain Significance.

This study involves interpretation of variants in research participants for the purpose of population health screening. Participant phenotype was not available at the time of variant classification. Additional details can be found in publication PMID: 35346344, PMCID: PMC8962531

Ambry Genetics
Classification: Uncertain significance for Cardiovascular phenotype. Last evaluated: 2021-08-02. Review status: criteria provided, single submitter. Criteria: Ambry Variant Classification Scheme 2023. Collection method: clinical testing. Allele origin: germline.
Comment: The p.R499P variant (also known as c.1496G>C), located in coding exon 9 of the PCSK9 gene, results from a G to C substitution at nucleotide position 1496. The arginine at codon 499 is replaced by proline, an amino acid with dissimilar properties. This amino acid position is conserved. In addition, this alteration is predicted to be tolerated by in silico analysis. Since supporting evidence is limited at this time, the clinical significance of this alteration remains unclear.

NM_174936.4(PCSK9):c.1496G>C (p.Arg499Pro)

Gene: PCSK9 (proprotein convertase subtilisin/kexin type 9; plus strand). Cytogenetic location: 1p32.3.
Variant type: single nucleotide variant.
Coding change: c.1496G>C on transcript NM_174936.4 (MANE Select); coding-DNA position 1496, G replaced by C.
Protein change: p.Arg499Pro; replaces arginine 499 with proline.
Molecular consequence: missense variant.
Genome position (GRCh38, 1-based): chr1:55,058,640, G>C. VCF-style: chr1-55058640-G-C. GRCh37 (hg19) VCF-style: chr1-55524313-G-C.
Other names: c.1619G>C, p.Arg540Pro (NM_001407240.1); c.1496G>C, p.Arg499Pro (NM_001407241.1); c.1499G>C, p.Arg500Pro (NM_001407242.1); c.1439G>C, p.Arg480Pro (NM_001407243.1); c.1322G>C, p.Arg441Pro (NM_001407244.1); c.1304G>C, p.Arg435Pro (NM_001407245.1); c.1121G>C, p.Arg374Pro (NM_001407246.1); short protein forms R499P, R374P, R441P, R435P, R540P, R480P, R500P.
Identifiers: ClinVar variation 922137 (VCV000922137.10), dbSNP rs143394031, ClinGen allele CA037321.